The following is an entry in ClinVar:

NM_014915.3(ANKRD26):c.2869C>A (p.Gln957Lys)

Gene: ANKRD26 (ankyrin repeat domain containing 26; minus strand). Cytogenetic location: 10p12.1.
Variant type: single nucleotide variant.
Coding change: c.2869C>A on transcript NM_014915.3 (MANE Select); coding-DNA position 2869, C replaced by A.
Protein change: p.Gln957Lys; replaces glutamine 957 with lysine.
Molecular consequence: missense variant.
Genome position (GRCh38, 1-based): chr10:27,035,581, G>T on the plus strand (C>A on the coding strand, the complement: ANKRD26 is on the minus strand). VCF-style: chr10-27035581-G-T. GRCh37 (hg19) VCF-style: chr10-27324510-G-T.
Other names: c.2866C>A, p.Gln956Lys (NM_001256053.2); short protein forms Q956K, Q957K.
Identifiers: ClinVar variation 3869300 (VCV003869300.1).

ClinVar aggregate classification (germline): Uncertain significance (1 of 4 stars; one submission).

Conditions:
Inborn genetic diseases. Identifiers: MedGen C0950123, MeSH D030342.

Submission:

Ambry Genetics
Classification: Uncertain significance for Inborn genetic diseases. Last evaluated: 2024-12-16. Review status: criteria provided, single submitter. Criteria: Ambry Variant Classification Scheme 2023. Collection method: clinical testing. Allele origin: germline.
Comment: The p.Q957K variant (also known as c.2869C>A), located in coding exon 24 of the ANKRD26 gene, results from a C to A substitution at nucleotide position 2869. The glutamine at codon 957 is replaced by lysine, an amino acid with similar properties. This amino acid position is conserved. In addition, this alteration is predicted to be tolerated by in silico analysis. Based on the available evidence, the clinical significance of this variant remains unclear.